The following is an entry in ClinVar:

NM_001200.4(BMP2):c.570A>T (p.Arg190Ser)

Gene: BMP2 (bone morphogenetic protein 2; plus strand). Cytogenetic location: 20p12.3.
Variant type: single nucleotide variant.
Coding change: c.570A>T on transcript NM_001200.4 (MANE Select); coding-DNA position 570, A replaced by T.
Protein change: p.Arg190Ser; replaces arginine 190 with serine.
Molecular consequence: missense variant.
Genome position (GRCh38, 1-based): chr20:6,778,468, A>T. VCF-style: chr20-6778468-A-T. GRCh37 (hg19) VCF-style: chr20-6759115-A-T.
Other names: short protein forms R190S.
Identifiers: ClinVar variation 196322 (VCV000196322.21), dbSNP rs235768, ClinGen allele CA202297.
Genomic context (GRCh38, chr20:6,778,468, plus strand): 5'-AATTAATATTTATGAAATCATAAAACCTGCAACAGCCAACTCGAAATTCCCCGTGACCAG[A>T]CTTTTGGACACCAGGTTGGTGAATCAGAATGCAAGCAGGTGGGAAAGTTTTGATGTCACC-3'
Protein context (NP_001191.1, residues 180-200): ATANSKFPVT[Arg190Ser]LLDTRLVNQN

ClinVar aggregate classification (germline): Benign. Review status: criteria provided, multiple submitters, no conflicts (2 of 4 stars). 8 submissions from 8 submitters: Benign (8). Last evaluated 2026-02-04.

Conditions:
Short stature, facial dysmorphism, and skeletal anomalies with or without cardiac anomalies. Identifiers: MedGen CN294045, MONDO:0031439, MONDO:0060649.

Allele frequency attached by ClinVar (database versions not stated): gnomAD exomes 0.63342 and 0.67117; ExAC 0.67432; gnomAD 0.72328 and 0.72782; ESP Exome Variant Server 0.72931; TOPMed 0.74429; 1000 Genomes Project 0.76677; 1000 Genomes Project 30x 0.77358.
gnomAD v4.1: 1,038,089 of 1,613,906 alleles (64%); highest among the groups gnomAD compares: African/African-American, 93%; 339,264 homozygotes.

Submissions (8):

Labcorp Genetics (formerly Invitae), Labcorp
Classification: Benign. Last evaluated: 2026-02-04. Review status: criteria provided, single submitter. Criteria: Invitae Variant Classification Sherloc (09022015). Collection method: clinical testing. Allele origin: germline.

Blueprint Genetics
Classification: Benign. Last evaluated: 2024-11-28. Review status: criteria provided, single submitter. Criteria: ACMG Guidelines, 2015. Collection method: clinical testing. Allele origin: germline.

Genome-Nilou Lab
Classification: Benign for Short stature, facial dysmorphism, and skeletal anomalies with or without cardiac anomalies 1. Last evaluated: 2021-07-14. Review status: criteria provided, single submitter. Criteria: ACMG Guidelines, 2015. Collection method: clinical testing. Allele origin: germline. Affected: no.

Mendelics
Classification: Benign for Short stature, facial dysmorphism, and skeletal anomalies with or without cardiac anomalies 1. Last evaluated: 2019-05-28. Review status: criteria provided, single submitter. Criteria: Mendelics Assertion Criteria 2017. Collection method: clinical testing. Allele origin: unknown.

GeneDx
Classification: Benign. Last evaluated: 2018-10-16. Review status: criteria provided, single submitter. Criteria: GeneDx Variant Classification Process June 2021. Collection method: clinical testing. Allele origin: germline. Affected: yes.
Comment: This variant is associated with the following publications: (PMID: 31640930, 26460254, 23506588)

Eurofins Ntd Llc (ga)
Classification: Benign. Last evaluated: 2015-01-21. Review status: criteria provided, single submitter. Criteria: EGL Classification Definitions 2015. Collection method: clinical testing. Allele origin: germline. Observed: 1 variant allele, 1 homozygote.

Breakthrough Genomics
Classification: Benign. Review status: criteria provided, single submitter. Criteria: ACMG Guidelines, 2015. Collection method: not provided. Allele origin: germline. Inheritance: Autosomal recessive inheritance. Affected: yes.

PreventionGenetics, part of Exact Sciences
Classification: Benign. Review status: criteria provided, single submitter. Criteria: ACMG Guidelines, 2015. Collection method: clinical testing. Allele origin: germline.